The following is an entry in ClinVar:

NM_004287.5(GOSR2):c.167G>T (p.Ser56Ile)

Genes: GOSR2 (golgi SNAP receptor complex member 2; plus strand), LRRC37A2 (leucine rich repeat containing 37 member A2), LOC126862578 (BRD4-independent group 4 enhancer GRCh37_chr17:45008344-45009543; plus strand). Cytogenetic location: 17q21.32.
Variant type: single nucleotide variant.
Coding change: c.167G>T on transcript NM_004287.5 (MANE Select); coding-DNA position 167, G replaced by T.
Protein change: p.Ser56Ile; replaces serine 56 with isoleucine.
Molecular consequence: missense variant. On other transcripts: non-coding transcript variant (3).
Genome position (GRCh38, 1-based): chr17:46,931,171, G>T. VCF-style: chr17-46931171-G-T. GRCh37 (hg19) VCF-style: chr17-45008537-G-T.
Other names: c.167G>T, p.Ser56Ile (NM_001012511.3, NM_001321133.2, NM_001330252.2 and 1 more transcripts); c.113G>T, p.Ser38Ile (NM_001321134.2, NM_001363851.2); c.164G>T, p.Ser55Ile (NM_001353114.2, NM_001353115.2, NM_001353116.2); short protein forms S38I, S55I, S56I.
Identifiers: ClinVar variation 1055030 (VCV001055030.9), dbSNP rs751458272, ClinGen allele CA400016749.

ClinVar aggregate classification (germline): Uncertain significance (1 of 4 stars; one submission).

Conditions:
Progressive myoclonic epilepsy. Also called: Myoclonus epilepsy; Progressive myoclonus epilepsy; Familial progressive myoclonic epilepsy; Myoclonic Epilepsies, Progressive. Identifiers: Orphanet 308, Orphanet 98261, MedGen C0751778, MONDO:0020074.

Submission:

Labcorp Genetics (formerly Invitae), Labcorp
Classification: Uncertain significance for Progressive myoclonic epilepsy. Last evaluated: 2023-01-31. Review status: criteria provided, single submitter. Criteria: Invitae Variant Classification Sherloc (09022015). Collection method: clinical testing. Allele origin: germline.
Comment: In summary, the available evidence is currently insufficient to determine the role of this variant in disease. Therefore, it has been classified as a Variant of Uncertain Significance. Algorithms developed to predict the effect of missense changes on protein structure and function are either unavailable or do not agree on the potential impact of this missense change (SIFT: "Tolerated"; PolyPhen-2: "Possibly Damaging"; Align-GVGD: "Class C0"). ClinVar contains an entry for this variant (Variation ID: 1055030). This variant has not been reported in the literature in individuals affected with GOSR2-related conditions. This variant is not present in population databases (gnomAD no frequency). This sequence change replaces serine, which is neutral and polar, with isoleucine, which is neutral and non-polar, at codon 56 of the GOSR2 protein (p.Ser56Ile).